The following is an entry in ClinVar:

ClinVar aggregate classification (germline): Pathogenic (1 of 4 stars; one submission).

Conditions:
Fabry disease. Also called: ALPHA-GALACTOSIDASE A DEFICIENCY; ANDERSON-FABRY DISEASE; CERAMIDE TRIHEXOSIDASE DEFICIENCY; GLA DEFICIENCY; HEREDITARY DYSTOPIC LIPIDOSIS; Angiokeratoma corporis diffusum. Identifiers: Orphanet 324, MedGen C0002986, MONDO:0010526, OMIM 301500, HP:0001071. Disease mechanism: Fabry disease is due to inactivating mutations in the X-linked GLA gene resulting in deficiency of the enzyme Alpha Galactosidase-A., loss of function.

Submission:

Genomenon, Inc
Classification: Pathogenic for Fabry disease. Last evaluated: 2026-09-08. Review status: criteria provided, single submitter. Criteria: Genomenon Sequence Variant Interpretation Standards - Updated. Collection method: curation. Allele origin: germline. Affected: yes.
Comment: GLA p.Asp61GlufsTer61 (c.181_182dup) is a frameshift variant that is predicted to introduce a premature termination codon and result in a truncated or absent protein product. This variant has been observed in at least one proband with clinical features consistent with Fabry disease (PMID:23467435;20505683). Functional or patient cell studies have been reported (PMID:28835480;20505683). It is absent or not present at a significant frequency in gnomAD. In conclusion, we classify GLA p.Asp61GlufsTer61 (c.181_182dup) as a pathogenic variant.

Literature cited by the submitters: PubMed 23467435; PubMed 20505683; PubMed 28835480.

NM_000169.3(GLA):c.181_182dup (p.Asp61fs)

Genes: GLA (galactosidase alpha; minus strand), RPL36A-HNRNPH2 (RPL36A-HNRNPH2 readthrough; plus strand). Cytogenetic location: Xq22.1.
Variant type: Duplication.
Coding change: c.181_182dup on transcript NM_000169.3 (MANE Select); coding-DNA positions 181 to 182, 2 bases duplicated (GA; older notation c.181_182dupGA).
Protein change: p.Asp61fs; shifts the reading frame from aspartic acid 61.
Molecular consequence: frameshift variant. On other transcripts: non-coding transcript variant (3), intron variant (2).
Genome position (GRCh38, 1-based): chrX:101,407,722-101,407,723, TC duplicated on the plus strand (GA on the coding strand, the reverse complement: GLA is on the minus strand); duplicating any 2 consecutive bases within chrX:101,407,722-101,407,724 gives the same sequence; the c. name uses the placement nearest the transcript's 3' end. VCF-style (leftmost placement, unchanged base first): chrX-101407721-A-ATC. GRCh37 (hg19) VCF-style: chrX-100662709-A-ATC.
Other names: c.181_182dup, p.Asp61fs (NM_001406747.1, NM_001406748.1, NM_001406749.1); c.301-4213_301-4212dup (NM_001199973.2); c.178-4213_178-4212dup (NM_001199974.2); short protein forms D61fs.
Identifiers: ClinVar variation 4087269 (VCV004087269.2).
Genomic context (GRCh38, chrX:101,407,721, plus strand): 5'-CCCAAACACATGGAAAAGCAAAGGGAAGGGAGTACCCAATATCTGATACCTGATGCAGGA[A>ATC]TCTGGCTCTTCCTGGCAGTCAAGGTTGCACATGAAGCGCTCCCAGTGCAGCCAGCCCATG-3'